The following is an entry in ClinVar:

NM_016013.4(NDUFAF1):c.512C>T (p.Ala171Val)

Gene: NDUFAF1 (NADH:ubiquinone oxidoreductase complex assembly factor 1; minus strand). Cytogenetic location: 15q15.1.
Variant type: single nucleotide variant.
Coding change: c.512C>T on transcript NM_016013.4 (MANE Select); coding-DNA position 512, C replaced by T.
Protein change: p.Ala171Val; replaces alanine 171 with valine.
Molecular consequence: missense variant. On other transcripts: non-coding transcript variant (1).
Genome position (GRCh38, 1-based): chr15:41,396,548, G>A on the plus strand (C>T on the coding strand, the complement: NDUFAF1 is on the minus strand). VCF-style: chr15-41396548-G-A. GRCh37 (hg19) VCF-style: chr15-41688746-G-A.
Other names: short protein forms A171V.
Identifiers: ClinVar variation 1029422 (VCV001029422.7), dbSNP rs140515254, ClinGen allele CA7491328.

ClinVar aggregate classification (germline): Uncertain significance. Review status: criteria provided, multiple submitters, no conflicts (2 of 4 stars). 3 submissions from 3 submitters: Uncertain significance (3). Last evaluated 2025-06-23.

Conditions:
Mitochondrial complex I deficiency, nuclear type 11. Also called: Mitochondrial complex 1 deficiency, nuclear type 11. Identifiers: MedGen C4748769, MONDO:0032617, OMIM 618234.

Allele frequency attached by ClinVar (database versions not stated): 1000 Genomes Project 30x 0.00016; ESP Exome Variant Server 0.00031; gnomAD 0.00030 and 0.00033; gnomAD exomes 0.00010 and 0.00012; 1000 Genomes Project 0.00020; TOPMed 0.00030; ExAC 0.00016.
gnomAD v4.1: 188 of 1,614,094 alleles (0.012%); highest among the groups gnomAD compares: African/African-American, 0.097%; 1 homozygote.

Submissions (3):

Labcorp Genetics (formerly Invitae), Labcorp
Classification: Uncertain significance. Last evaluated: 2025-06-23. Review status: criteria provided, single submitter. Criteria: Invitae Variant Classification Sherloc (09022015). Collection method: clinical testing. Allele origin: germline.
Comment: This sequence change replaces alanine, which is neutral and non-polar, with valine, which is neutral and non-polar, at codon 171 of the NDUFAF1 protein (p.Ala171Val). This variant is present in population databases (rs140515254, gnomAD 0.1%), and has an allele count higher than expected for a pathogenic variant. This variant has not been reported in the literature in individuals affected with NDUFAF1-related conditions. ClinVar contains an entry for this variant (Variation ID: 1029422). An algorithm developed to predict the effect of missense changes on protein structure and function outputs the following: PolyPhen-2: "Benign". The valine amino acid residue is found in multiple mammalian species, which suggests that this missense change does not adversely affect protein function. In summary, the available evidence is currently insufficient to determine the role of this variant in disease. Therefore, it has been classified as a Variant of Uncertain Significance.

Baylor Genetics
Classification: Uncertain significance for Mitochondrial complex I deficiency, nuclear type 11. Last evaluated: 2022-01-27. Review status: criteria provided, single submitter. Criteria: ACMG Guidelines, 2015. Collection method: clinical testing. Allele origin: unknown.

GeneDx
Classification: Uncertain significance. Last evaluated: 2021-08-18. Review status: criteria provided, single submitter. Criteria: GeneDx Variant Classification Process June 2021. Collection method: clinical testing. Allele origin: germline. Affected: yes.
Comment: In silico analysis supports that this missense variant does not alter protein structure/function; Has not been previously published as pathogenic or benign to our knowledge; This variant is associated with the following publications: (PMID: 27535533)